The following is an entry in ClinVar:

NM_000487.6(ARSA):c.514G>C (p.Gly172Arg)

Gene: ARSA (arylsulfatase A; minus strand). Cytogenetic location: 22q13.33.
Variant type: single nucleotide variant.
Coding change: c.514G>C on transcript NM_000487.6 (MANE Select); coding-DNA position 514, G replaced by C.
Protein change: p.Gly172Arg; replaces glycine 172 with arginine.
Molecular consequence: missense variant.
Genome position (GRCh38, 1-based): chr22:50,627,004, C>G on the plus strand (G>C on the coding strand, the complement: ARSA is on the minus strand). VCF-style: chr22-50627004-C-G. GRCh37 (hg19) VCF-style: chr22-51065432-C-G.
Other names: c.514G>C, p.Gly172Arg (NM_001085425.3, NM_001085426.3, NM_001085427.3); c.256G>C, p.Gly86Arg (NM_001085428.3, NM_001362782.2); short protein forms G172R, G86R.
Identifiers: ClinVar variation 3339764 (VCV003339764.1).

ClinVar aggregate classification (germline): Uncertain significance (1 of 4 stars; one submission).

Submission:

Women's Health and Genetics/Laboratory Corporation of America, LabCorp
Classification: Uncertain significance. Last evaluated: 2024-06-03. Review status: criteria provided, single submitter. Criteria: LabCorp Variant Classification Summary - May 2015. Collection method: clinical testing. Allele origin: germline.
Comment: Variant summary: ARSA c.514G>C (p.Gly172Arg) results in a non-conservative amino acid change in the encoded protein sequence. Three of four in-silico tools predict a damaging effect of the variant on protein function. The variant was absent in 244662 control chromosomes. The available data on variant occurrences in the general population are insufficient to allow any conclusion about variant significance. To our knowledge, no occurrence of c.514G>C in individuals affected with Metachromatic Leukodystrophy and no experimental evidence demonstrating its impact on protein function have been reported. No submitters have cited clinical-significance assessments for this variant to ClinVar. Based on the evidence outlined above, the variant was classified as uncertain significance.